The following is an entry in ClinVar:

NM_014956.5(CEP164):c.237C>T (p.Asn79=)

Gene: CEP164 (centrosomal protein 164; plus strand). Cytogenetic location: 11q23.3.
Variant type: single nucleotide variant.
Coding change: c.237C>T on transcript NM_014956.5 (MANE Select); coding-DNA position 237, C replaced by T.
Protein change: p.Asn79=; no amino-acid change (asparagine 79 retained).
Molecular consequence: synonymous variant.
Genome position (GRCh38, 1-based): chr11:117,351,832, C>T. VCF-style: chr11-117351832-C-T. GRCh37 (hg19) VCF-style: chr11-117222548-C-T.
Other names: c.237C>T, p.Asn79= (NM_001271933.2).
Identifiers: ClinVar variation 763761 (VCV000763761.13), dbSNP rs149281923, ClinGen allele CA6294378.

ClinVar aggregate classification (germline): Likely benign. Review status: criteria provided, multiple submitters, no conflicts (2 of 4 stars). 4 submissions from 4 submitters: Likely benign (4). Last evaluated 2025-12-09.

Conditions:
CEP164-related disorder. Also called: CEP164-related condition.
Nephronophthisis 15 (NPHP15). Identifiers: Orphanet 3156, MedGen C3541853, MONDO:0013917, OMIM 614845.

Allele frequency attached by ClinVar (database versions not stated): TOPMed 0.00003; gnomAD 0.00005; gnomAD exomes 0.00005 and 0.00008; ExAC 0.00006; ESP Exome Variant Server 0.00015.
gnomAD v4.1: 91 of 1,613,656 alleles (0.0056%); highest among the groups gnomAD compares: Middle Eastern, 0.13%; 1 homozygote.

Submissions (4):

Labcorp Genetics (formerly Invitae), Labcorp
Classification: Likely benign for Nephronophthisis 15. Last evaluated: 2025-12-09. Review status: criteria provided, single submitter. Criteria: Invitae Variant Classification Sherloc (09022015). Collection method: clinical testing. Allele origin: germline.

PreventionGenetics, part of Exact Sciences
Classification: Likely benign for CEP164-related condition. Last evaluated: 2025-08-24. Review status: criteria provided, single submitter. Criteria: ACMG Guidelines, 2015. Collection method: clinical testing. Allele origin: germline.
Comment: This variant is classified as likely benign based on ACMG/AMP sequence variant interpretation guidelines (Richards et al. 2015 PMID: 25741868, with internal and published modifications).

Blueprint Genetics
Classification: Likely benign. Last evaluated: 2024-06-07. Review status: criteria provided, single submitter. Criteria: ACMG Guidelines, 2015. Collection method: clinical testing. Allele origin: germline.

Fulgent Genetics
Classification: Likely benign for Nephronophthisis 15. Last evaluated: 2022-02-02. Review status: criteria provided, single submitter. Criteria: ACMG Guidelines, 2015. Collection method: clinical testing. Allele origin: unknown.